The following is an entry in ClinVar:

ClinVar aggregate classification (germline): Uncertain significance (1 of 4 stars; one submission).

Submission:

Labcorp Genetics (formerly Invitae), Labcorp
Classification: Uncertain significance. Last evaluated: 2025-11-12. Review status: criteria provided, single submitter. Criteria: Invitae Variant Classification Sherloc (09022015). Collection method: clinical testing. Allele origin: germline.
Comment: This sequence change replaces proline, which is neutral and non-polar, with serine, which is neutral and polar, at codon 304 of the COL4A4 protein (p.Pro304Ser). This variant is not present in population databases (gnomAD no frequency). This variant has not been reported in the literature in individuals affected with COL4A4-related conditions. Invitae Evidence Modeling of protein sequence and biophysical properties (such as structural, functional, and spatial information, amino acid conservation, physicochemical variation, residue mobility, and thermodynamic stability) indicates that this missense variant is not expected to disrupt COL4A4 protein function with a negative predictive value of 95%. Algorithms developed to predict the effect of sequence changes on RNA splicing suggest that this variant may disrupt the consensus splice site. In summary, the available evidence is currently insufficient to determine the role of this variant in disease. Therefore, it has been classified as a Variant of Uncertain Significance.

NM_000092.5(COL4A4):c.910C>T (p.Pro304Ser)

Gene: COL4A4 (collagen type IV alpha 4 chain; minus strand). Cytogenetic location: 2q36.3.
Variant type: single nucleotide variant.
Coding change: c.910C>T on transcript NM_000092.5 (MANE Select); coding-DNA position 910, C replaced by T.
Protein change: p.Pro304Ser; replaces proline 304 with serine.
Molecular consequence: missense variant.
Genome position (GRCh38, 1-based): chr2:227,102,809, G>A on the plus strand (C>T on the coding strand, the complement: COL4A4 is on the minus strand). VCF-style: chr2-227102809-G-A. GRCh37 (hg19) VCF-style: chr2-227967525-G-A.
Other names: short protein forms P304S.
Identifiers: ClinVar variation 4771002 (VCV004771002.1).